The following is an entry in ClinVar:

ClinVar aggregate classification (germline): Uncertain significance (1 of 4 stars; one submission).

Conditions:
Hyper-IgE recurrent infection syndrome 1, autosomal dominant. Also called: STAT3 Hyper IgE Syndrome; Hyper-IgE recurrent infection syndrome 1; HYPER-IgE SYNDROME 1, AUTOSOMAL DOMINANT, WITH RECURRENT INFECTIONS; JOB SYNDROME; Job's Syndrome. Identifiers: Orphanet 2314, MedGen C2936739, MONDO:0007818, OMIM 147060.

gnomAD v4.1: 1 of 1,614,164 alleles (0.000062%); highest among the groups gnomAD compares: Admixed American, 0.0017%; no homozygotes.

Submission:

3billion
Classification: Uncertain significance for Hyper-IgE recurrent infection syndrome 1, autosomal dominant. Last evaluated: 2025-08-06. Review status: criteria provided, single submitter. Criteria: ACMG Guidelines, 2015. Collection method: clinical testing. Allele origin: germline. Affected: yes.
Comment: The variant is observed at an extremely low frequency in the gnomAD v4.1.0 dataset (total allele frequency: <0.001%). Predicted Consequence/Location: Missense variant. Missense changes are a common disease-causing mechanism. In silico tool predictions suggest damaging effect of the variant on gene or gene product [3Cnet: 0.93 (> 0.75, sensitivity 0.96 and precision 0.92)]. Therefore, this variant is classified as VUS according to the recommendation of ACMG/AMP guideline.

NM_139276.3(STAT3):c.1664C>T (p.Ala555Val)

Gene: STAT3 (signal transducer and activator of transcription 3; minus strand). Cytogenetic location: 17q21.2.
Variant type: single nucleotide variant.
Coding change: c.1664C>T on transcript NM_139276.3 (MANE Select); coding-DNA position 1664, C replaced by T.
Protein change: p.Ala555Val; replaces alanine 555 with valine.
Molecular consequence: missense variant.
Genome position (GRCh38, 1-based): chr17:42,323,344, G>A on the plus strand (C>T on the coding strand, the complement: STAT3 is on the minus strand). VCF-style: chr17-42323344-G-A. GRCh37 (hg19) VCF-style: chr17-40475362-G-A.
Other names: c.1664C>T, p.Ala555Val (NM_001369512.1, NM_001369513.1, NM_001369514.1 and 10 more transcripts); c.1580C>T, p.Ala527Val (NM_001384984.1); c.1568C>T, p.Ala523Val (NM_001384989.1); c.1679C>T, p.Ala560Val (NM_001384990.1, NM_001384986.1); c.1586C>T, p.Ala529Val (NM_001384985.1); c.1643C>T, p.Ala548Val (NM_001384987.1); c.1604C>T, p.Ala535Val (NM_001384992.1); short protein forms A523V, A527V, A529V, A535V, A548V, A555V, A560V.
Identifiers: ClinVar variation 4854627 (VCV004854627.1).